The following is an entry in ClinVar:

ClinVar aggregate classification (germline): Uncertain significance (1 of 4 stars; one submission).

Submission:

GeneDx
Classification: Uncertain significance. Last evaluated: 2025-08-06. Review status: criteria provided, single submitter. Criteria: GeneDx Variant Classification Process June 2021. Collection method: clinical testing. Allele origin: germline. Affected: yes.
Comment: Not observed at significant frequency in large population cohorts (gnomAD); In silico analysis supports that this missense variant has a deleterious effect on protein structure/function; Has not been previously published as pathogenic or benign to our knowledge

NM_000719.7(CACNA1C):c.80A>C (p.His27Pro)

Gene: CACNA1C (calcium voltage-gated channel subunit alpha1 C; plus strand). Cytogenetic location: 12p13.33.
Variant type: single nucleotide variant.
Coding change: c.80A>C on transcript NM_000719.7 (MANE Select); coding-DNA position 80, A replaced by C.
Protein change: p.His27Pro; replaces histidine 27 with proline.
Molecular consequence: missense variant.
Genome position (GRCh38, 1-based): chr12:2,115,254, A>C. VCF-style: chr12-2115254-A-C. GRCh37 (hg19) VCF-style: chr12-2224420-A-C.
Other names: c.80A>C, p.His27Pro (NM_001129827.2, NM_001129829.2, NM_001129830.3 and 19 more transcripts); short protein forms H27P.
Identifiers: ClinVar variation 4755919 (VCV004755919.1).